The following is an entry in ClinVar:

NM_001353214.3(DYM):c.259G>A (p.Glu87Lys)

Gene: DYM (dymeclin; minus strand). Cytogenetic location: 18q21.1.
Variant type: single nucleotide variant.
Coding change: c.259G>A on transcript NM_001353214.3 (MANE Select); coding-DNA position 259, G replaced by A.
Protein change: p.Glu87Lys; replaces glutamic acid 87 with lysine.
Molecular consequence: missense variant. On other transcripts: intron variant (5).
Genome position (GRCh38, 1-based): chr18:49,379,693, C>T on the plus strand (G>A on the coding strand, the complement: DYM is on the minus strand). VCF-style: chr18-49379693-C-T. GRCh37 (hg19) VCF-style: chr18-46906063-C-T.
Other names: c.259G>A, p.Glu87Lys (NM_001353210.3, NM_001353213.3, NM_001353215.3 and 12 more transcripts); c.256G>A, p.Glu86Lys (NM_001353211.3, NM_001353212.3, NM_001374429.1 and 1 more transcripts); c.193+11900G>A (NM_001374443.1, NM_001374444.1, NM_001374442.1 and 2 more transcripts); short protein forms E87K, E86K.
Identifiers: ClinVar variation 3189 (VCV000003189.11), dbSNP rs120074164, ClinGen allele CA116050.

ClinVar aggregate classification (germline): Pathogenic. Review status: criteria provided, multiple submitters, no conflicts (2 of 4 stars). 4 submissions from 4 submitters: Pathogenic (2). 2 of the submissions do not count toward it. Last evaluated 2022-09-01.

Conditions:
DYM-related disorder. Also called: DYM-related condition.
Smith-McCort dysplasia 1 (SMC1). Also called: Smith-McCort dwarfism. Identifiers: MedGen C3888088, MONDO:0011814, OMIM 607326.

Allele frequency attached by ClinVar (database versions not stated): gnomAD exomes below 0.00001; TOPMed below 0.00001; ExAC 0.00001.
gnomAD v4.1: 2 of 1,613,216 alleles (0.00012%); highest among the groups gnomAD compares: Admixed American, 0.0017%; no homozygotes.

Submissions (4):

Labcorp Genetics (formerly Invitae), Labcorp
Classification: Pathogenic. Last evaluated: 2022-09-01. Review status: criteria provided, single submitter. Criteria: Invitae Variant Classification Sherloc (09022015). Collection method: clinical testing. Allele origin: germline.
Comment: This variant is present in population databases (rs120074164, gnomAD 0.003%). For these reasons, this variant has been classified as Pathogenic. Algorithms developed to predict the effect of missense changes on protein structure and function (SIFT, PolyPhen-2, Align-GVGD) all suggest that this variant is likely to be disruptive. ClinVar contains an entry for this variant (Variation ID: 3189). This missense change has been observed in individual(s) with Smith-McCort dysplasia (PMID: 12491225). In at least one individual the data is consistent with being in trans (on the opposite chromosome) from a pathogenic variant. It has also been observed to segregate with disease in related individuals. This sequence change replaces glutamic acid, which is acidic and polar, with lysine, which is basic and polar, at codon 87 of the DYM protein (p.Glu87Lys).

Blueprint Genetics
Classification: Pathogenic for DYM-related disorders. Last evaluated: 2019-05-23. Review status: criteria provided, single submitter. Criteria: ACMG Guidelines, 2015. Collection method: clinical testing. Allele origin: germline. Affected: yes. Observed: 1 variant allele.

PreventionGenetics, part of Exact Sciences
Classification: Uncertain significance for DYM-related condition. Last evaluated: 2024-06-28. Review status: no assertion criteria provided. Collection method: clinical testing. Allele origin: germline. Not counted in ClinVar's aggregate classification.
Comment: The DYM c.259G>A variant is predicted to result in the amino acid substitution p.Glu87Lys. This variant was reported in compound heterozygous state with DYM loss-of-function variant in two families with Smith-McCort dysplasia and segregated with the disorder (Figure 2, Cohn et al. 2003. PubMed ID: 12491225). Functional study shows that this variant does not affect stability and location of the protein unlike loss-of-function mutations in DYM gene responsible for Dyggve-Melchior-Clausen disease, concluding that p.Glu87Lys is associated only with Smith-McCort dysplasia (Dimitrov et al. 2008. PubMed ID: 18996921). This variant is reported in 0.0029% of alleles in individuals of Latino descent in gnomAD. Although we suspect that this variant may be pathogenic, at this time the clinical significance of this variant is uncertain due to the absence of conclusive functional and genetic evidence.

OMIM
Classification: Pathogenic for SMITH-MCCORT DYSPLASIA 1. Last evaluated: 2003-02-01. Review status: no assertion criteria provided. Collection method: literature only. Allele origin: germline. Not counted in ClinVar's aggregate classification.

Literature cited by the submitters: PubMed 12491225 (cited by Labcorp Genetics (formerly Invitae), Labcorp and OMIM).